The following is an entry in ClinVar:

ClinVar aggregate classification (germline): Uncertain significance (1 of 4 stars; one submission).

Submission:

GeneDx
Classification: Uncertain significance. Last evaluated: 2022-04-05. Review status: criteria provided, single submitter. Criteria: GeneDx Variant Classification Process June 2021. Collection method: clinical testing. Allele origin: germline. Affected: yes.
Comment: Not observed at significant frequency in large population cohorts (gnomAD); In silico analysis supports a deleterious effect on splicing; Has not been previously published as pathogenic or benign to our knowledge

NM_152594.3(SPRED1):c.583-11_583-8del

Gene: SPRED1 (sprouty related EVH1 domain containing 1; plus strand). Cytogenetic location: 15q14.
Variant type: Microsatellite.
Coding change: c.583-11_583-8del on transcript NM_152594.3 (MANE Select); 11 bases into the intron before coding-DNA position 583 through 8 bases into the intron before coding-DNA position 583, 4 bases deleted (TTGT; older notation c.583-11_583-8delTTGT).
Molecular consequence: intron variant.
Genome position (GRCh38, 1-based): chr15:38,349,411-38,349,414, TTGT deleted; deleting any 4 consecutive bases within chr15:38,349,407-38,349,414 gives the same sequence; the c. name uses the placement nearest the transcript's 3' end. VCF-style (leftmost placement, unchanged base first): chr15-38349406-ATTGT-A. GRCh37 (hg19) VCF-style: chr15-38641607-ATTGT-A.
Identifiers: ClinVar variation 1708842 (VCV001708842.2), dbSNP rs2542739108, ClinGen allele CA2580613791.